The following is an entry in ClinVar:

NM_004958.4(MTOR):c.5011A>G (p.Lys1671Glu)

Gene: MTOR (mechanistic target of rapamycin kinase; minus strand). Cytogenetic location: 1p36.22.
Variant type: single nucleotide variant.
Coding change: c.5011A>G on transcript NM_004958.4 (MANE Select); coding-DNA position 5011, A replaced by G.
Protein change: p.Lys1671Glu; replaces lysine 1671 with glutamic acid.
Molecular consequence: missense variant.
Genome position (GRCh38, 1-based): chr1:11,139,423, T>C on the plus strand (A>G on the coding strand, the complement: MTOR is on the minus strand). VCF-style: chr1-11139423-T-C. GRCh37 (hg19) VCF-style: chr1-11199480-T-C.
Other names: c.5011A>G, p.Lys1671Glu (NM_001386500.1); c.3763A>G, p.Lys1255Glu (NM_001386501.1); short protein forms K1255E, K1671E.
Identifiers: ClinVar variation 2638223 (VCV002638223.24), dbSNP rs2522429340, ClinGen allele CA338402043.

ClinVar aggregate classification (germline): Uncertain significance (1 of 4 stars; one submission).

Submission:

CeGaT Center for Human Genetics Tuebingen
Classification: Uncertain significance. Last evaluated: 2022-07-01. Review status: criteria provided, single submitter. Criteria: CeGaT Center For Human Genetics Tuebingen Variant Classification Criteria Version 2. Collection method: clinical testing. Allele origin: germline. Affected: yes. Observed: 1 variant allele.
Comment: MTOR: PM2, PP2, PP3